The following is an entry in ClinVar:

NM_024675.4(PALB2):c.229T>G (p.Cys77Gly)

Gene: PALB2 (partner and localizer of BRCA2; minus strand). Cytogenetic location: 16p12.2.
Variant type: single nucleotide variant.
Coding change: c.229T>G on transcript NM_024675.4 (MANE Select); coding-DNA position 229, T replaced by G.
Protein change: p.Cys77Gly; replaces cysteine 77 with glycine.
Molecular consequence: missense variant.
Genome position (GRCh38, 1-based): chr16:23,636,317, A>C on the plus strand (T>G on the coding strand, the complement: PALB2 is on the minus strand). VCF-style: chr16-23636317-A-C. GRCh37 (hg19) VCF-style: chr16-23647638-A-C.
Other names: short protein forms C77G.
Identifiers: ClinVar variation 663100 (VCV000663100.12), dbSNP rs760045493, ClinGen allele CA395138953.
Genomic context (GRCh38, chr16:23,636,317, plus strand): 5'-ATGTCTTTTCTCCAGTTTCTTCATCAAGATGGGTTTTGATGTGTAACTTGTCATAAACAC[A>C]TATTTTATTTTTAGGTTCTGAGGAGGAAAAAAATGTATATAACTTATATTTTTCTTATAA-3'
Protein context (NP_078951.2, residues 67-87): LKHSEPKNKI[Cys77Gly]VYDKLHIKTH

ClinVar aggregate classification (germline): Uncertain significance. Review status: criteria provided, multiple submitters, no conflicts (2 of 4 stars). 2 submissions from 2 submitters: Uncertain significance (2). Last evaluated 2023-06-09.

Conditions:
Hereditary cancer-predisposing syndrome. Also called: Neoplastic Syndromes, Hereditary; Tumor predisposition; Hereditary neoplastic syndrome; Hereditary Cancer Syndrome. Identifiers: Orphanet 140162, MedGen C0027672, MeSH D009386, MONDO:0015356.
Familial cancer of breast. Also called: BREAST CANCER, FAMILIAL; hereditary breast carcinoma; Hereditary breast cancer. Identifiers: Orphanet 227535, MedGen C0346153, MONDO:0016419, OMIM 114480. Disease mechanism: loss of function.

Submissions (2):

Ambry Genetics
Classification: Uncertain significance for Hereditary cancer-predisposing syndrome. Last evaluated: 2023-06-09. Review status: criteria provided, single submitter. Criteria: Ambry Variant Classification Scheme 2023. Collection method: clinical testing. Allele origin: germline.
Comment: The p.C77G variant (also known as c.229T>G), located in coding exon 4 of the PALB2 gene, results from a T to G substitution at nucleotide position 229. The cysteine at codon 77 is replaced by glycine, an amino acid with highly dissimilar properties. This amino acid position is poorly conserved in available vertebrate species. In addition, this alteration is predicted to be tolerated by in silico analysis. Since supporting evidence is limited at this time, the clinical significance of this alteration remains unclear.

Labcorp Genetics (formerly Invitae), Labcorp
Classification: Uncertain significance for Familial cancer of breast. Last evaluated: 2018-09-05. Review status: criteria provided, single submitter. Criteria: Invitae Variant Classification Sherloc (09022015). Collection method: clinical testing. Allele origin: germline.
Comment: In summary, the available evidence is currently insufficient to determine the role of this variant in disease. Therefore, it has been classified as a Variant of Uncertain Significance. Algorithms developed to predict the effect of sequence changes on RNA splicing suggest that this variant may create or strengthen a splice site, but this prediction has not been confirmed by published transcriptional studies. Algorithms developed to predict the effect of missense changes on protein structure and function (SIFT, PolyPhen-2, Align-GVGD) all suggest that this variant is likely to be tolerated, but these predictions have not been confirmed by published functional studies and their clinical significance is uncertain. This variant has not been reported in the literature in individuals with PALB2-related disease. This variant is not present in population databases (ExAC no frequency). This sequence change replaces cysteine with glycine at codon 77 of the PALB2 protein (p.Cys77Gly). The cysteine residue is weakly conserved and there is a large physicochemical difference between cysteine and glycine.